The following is an entry in ClinVar:

NM_004360.5(CDH1):c.607G>T (p.Gly203Cys)

Gene: CDH1 (cadherin 1; plus strand). Cytogenetic location: 16q22.1.
Variant type: single nucleotide variant.
Coding change: c.607G>T on transcript NM_004360.5 (MANE Select); coding-DNA position 607, G replaced by T.
Protein change: p.Gly203Cys; replaces glycine 203 with cysteine.
Molecular consequence: missense variant. On other transcripts: 5 prime UTR variant (2).
Genome position (GRCh38, 1-based): chr16:68,808,768, G>T. VCF-style: chr16-68808768-G-T. GRCh37 (hg19) VCF-style: chr16-68842671-G-T.
Other names: c.607G>T, p.Gly203Cys (NM_001317184.2); c.-1009G>T (NM_001317185.2); c.-1213G>T (NM_001317186.2); short protein forms G203C.
Identifiers: ClinVar variation 1320823 (VCV001320823.2), dbSNP rs1215319435, ClinGen allele CA396457999.
Genomic context (GRCh38, chr16:68,808,768, plus strand): 5'-GACAAAGAAGGCAAGGTTTTCTACAGCATCACTGGCCAAGGAGCTGACACACCCCCTGTT[G>T]GTGTCTTTATTATTGAAAGAGAAACAGGATGGCTGAAGGTGACAGAGCCTCTGGATAGAG-3'
Protein context (NP_004351.1, residues 193-213): TGQGADTPPV[Gly203Cys]VFIIERETGW

ClinVar aggregate classification (germline): Uncertain significance (1 of 4 stars; one submission).

Submission:

GeneDx
Classification: Uncertain significance. Last evaluated: 2019-09-13. Review status: criteria provided, single submitter. Criteria: GeneDx Variant Classification Process June 2021. Collection method: clinical testing. Allele origin: germline. Affected: yes.
Comment: Not observed in large population cohorts (Lek et al., 2016); In silico analysis, which includes protein predictors and evolutionary conservation, supports a deleterious effect; Has not been previously published as pathogenic or benign to our knowledge